The following is an entry in ClinVar:

NM_001987.5(ETV6):c.402C>A (p.Phe134Leu)

Gene: ETV6 (ETS variant transcription factor 6; plus strand). Cytogenetic location: 12p13.2.
Variant type: single nucleotide variant.
Coding change: c.402C>A on transcript NM_001987.5 (MANE Select); coding-DNA position 402, C replaced by A.
Protein change: p.Phe134Leu; replaces phenylalanine 134 with leucine.
Molecular consequence: missense variant.
Genome position (GRCh38, 1-based): chr12:11,853,500, C>A. VCF-style: chr12-11853500-C-A. GRCh37 (hg19) VCF-style: chr12-12006434-C-A.
Other names: c.399C>A, p.Phe133Leu (NM_001413913.1); c.375C>A, p.Phe125Leu (NM_001413914.1); c.138C>A, p.Phe46Leu (NM_001413915.1); c.402C>A, p.Phe134Leu (NM_001413916.1, NM_001413917.1); short protein forms F125L, F134L, F46L, F133L.
Identifiers: ClinVar variation 4020072 (VCV004020072.1).

ClinVar aggregate classification (germline): Uncertain significance (1 of 4 stars; one submission).

Conditions:
Inborn genetic diseases. Identifiers: MedGen C0950123, MeSH D030342.

Submission:

Ambry Genetics
Classification: Uncertain significance for Inborn genetic diseases. Last evaluated: 2025-04-14. Review status: criteria provided, single submitter. Criteria: Ambry Variant Classification Scheme 2023. Collection method: clinical testing. Allele origin: germline.
Comment: The p.F134L variant (also known as c.402C>A), located in coding exon 4 of the ETV6 gene, results from a C to A substitution at nucleotide position 402. The phenylalanine at codon 134 is replaced by leucine, an amino acid with highly similar properties. This amino acid position is conserved. In addition, this alteration is predicted to be tolerated by in silico analysis. Based on the available evidence, the clinical significance of this variant remains unclear.